The following is an entry in ClinVar:

NM_002335.4(LRP5):c.1226C>T (p.Thr409Met)

Gene: LRP5 (LDL receptor related protein 5; plus strand). Cytogenetic location: 11q13.2.
Variant type: single nucleotide variant.
Coding change: c.1226C>T on transcript NM_002335.4 (MANE Select); coding-DNA position 1226, C replaced by T.
Protein change: p.Thr409Met; replaces threonine 409 with methionine.
Molecular consequence: missense variant. On other transcripts: 5 prime UTR variant (1).
Genome position (GRCh38, 1-based): chr11:68,386,526, C>T. VCF-style: chr11-68386526-C-T. GRCh37 (hg19) VCF-style: chr11-68153994-C-T.
Other names: c.1226C>T (NM_002335.2); c.-540C>T (NM_001291902.2); short protein forms T409M.
Identifiers: ClinVar variation 843651 (VCV000843651.16), dbSNP rs199686378, ClinGen allele CA6149277.
Genomic context (GRCh38, chr11:68,386,526, plus strand): 5'-GGACAGATGACGAGGTGCGGGCCATCCGCAGGGCGTACCTGGACGGGTCTGGGGCGCAGA[C>T]GCTGGTCAACACCGAGATCAACGACCCCGATGGCATCGCGGTCGACTGGGTGGCCCGAAA-3'
Protein context (NP_002326.2, residues 399-419): RAYLDGSGAQ[Thr409Met]LVNTEINDPD

ClinVar aggregate classification (germline): Uncertain significance. Review status: criteria provided, multiple submitters, no conflicts (2 of 4 stars). 6 submissions from 6 submitters: Uncertain significance (6). Last evaluated 2026-06-17.

Conditions:
Polycystic liver disease 4 with or without kidney cysts. Identifiers: MedGen C4693479, MONDO:0044327, OMIM 617875.
Osteoporosis with pseudoglioma (OPPG). Also called: osteoporosis-pseudoglioma syndrome. Identifiers: Orphanet 2788, MedGen C0432252, MONDO:0009820, OMIM 259770.
Exudative vitreoretinopathy 4 (EVR4). Identifiers: Orphanet 891, MedGen C1866176, MONDO:0011151, OMIM 601813.
Autosomal dominant osteopetrosis 1 (OPTA1). Also called: OSTEOPETROSIS, AUTOSOMAL DOMINANT, TYPE I. Identifiers: Orphanet 2783, MedGen C1843330, MONDO:0011877, OMIM 607634.
Worth disease. Also called: ENDOSTEAL HYPEROSTOSIS, AUTOSOMAL DOMINANT; OSTEOSCLEROSIS, AUTOSOMAL DOMINANT; Autosomal dominant osteosclerosis, Worth type. Identifiers: Orphanet 2790, MedGen C0432273, MONDO:0007764, OMIM 144750.
Bone mineral density quantitative trait locus 1 (BMND1). Identifiers: MedGen C1866079, OMIM 601884.
LRP5-related disorder. Also called: LRP5-related condition.

Allele frequency attached by ClinVar (database versions not stated): gnomAD 0.00004; TOPMed 0.00005; ESP Exome Variant Server 0.00008; gnomAD exomes 0.00009 and 0.00013.
gnomAD v4.1: 140 of 1,613,742 alleles (0.0087%); highest among the groups gnomAD compares: Non-Finnish European, 0.0093%; no homozygotes.

Submissions (6):

PreventionGenetics, part of Exact Sciences
Classification: Uncertain significance for LRP5-related condition. Last evaluated: 2026-06-17. Review status: criteria provided, single submitter. Criteria: ACMG Guidelines, 2015. Collection method: clinical testing. Allele origin: germline.
Comment: The LRP5 c.1226C>T variant is predicted to result in the amino acid substitution p.Thr409Met. To our knowledge, this variant has not been reported in the literature. This variant is reported in 0.025% of alleles in individuals of East Asian descent in gnomAD. Another variant affecting the same amino acid position, c.1225A>G, p.(Thr409Ala), has been reported in the compound heterozygous state in four siblings with osteoporosis-pseudoglioma syndrome (Streeten et al. 2008. PubMed ID: 18602879). At this time, the clinical significance of the p.Thr409Met variant is uncertain due to the absence of conclusive functional and genetic evidence.

Labcorp Genetics (formerly Invitae), Labcorp
Classification: Uncertain significance. Last evaluated: 2025-06-24. Review status: criteria provided, single submitter. Criteria: Invitae Variant Classification Sherloc (09022015). Collection method: clinical testing. Allele origin: germline.
Comment: This sequence change replaces threonine, which is neutral and polar, with methionine, which is neutral and non-polar, at codon 409 of the LRP5 protein (p.Thr409Met). The frequency data for this variant in the population databases is considered unreliable, as metrics indicate poor data quality at this position in the gnomAD database. This variant has not been reported in the literature in individuals affected with LRP5-related conditions. ClinVar contains an entry for this variant (Variation ID: 843651). Invitae Evidence Modeling of protein sequence and biophysical properties (such as structural, functional, and spatial information, amino acid conservation, physicochemical variation, residue mobility, and thermodynamic stability) has been performed for this missense variant. However, the output from this modeling did not meet the statistical confidence thresholds required to predict the impact of this variant on LRP5 protein function. This variant disrupts the p.Thr409 amino acid residue in LRP5. Other variant(s) that disrupt this residue have been determined to be pathogenic (PMID: 18602879). This suggests that this residue is clinically significant, and that variants that disrupt this residue are likely to be disease-causing. In summary, the available evidence is currently insufficient to determine the role of this variant in disease. Therefore, it has been classified as a Variant of Uncertain Significance.

Blueprint Genetics
Classification: Uncertain significance. Last evaluated: 2024-09-15. Review status: criteria provided, single submitter. Criteria: ACMG Guidelines, 2015. Collection method: clinical testing. Allele origin: germline.

Fulgent Genetics
Classification: Uncertain significance for Worth disease; Osteoporosis with pseudoglioma; Exudative vitreoretinopathy 4; Bone mineral density quantitative trait locus 1; Autosomal dominant osteopetrosis 1; Polycystic liver disease 4 with or without kidney cysts. Last evaluated: 2024-05-15. Review status: criteria provided, single submitter. Criteria: ACMG Guidelines, 2015. Collection method: clinical testing. Allele origin: germline.

GeneDx
Classification: Uncertain significance. Last evaluated: 2023-09-21. Review status: criteria provided, single submitter. Criteria: GeneDx Variant Classification Process June 2021. Collection method: clinical testing. Allele origin: germline. Affected: yes.
Comment: In silico analysis supports that this missense variant does not alter protein structure/function; Has not been previously published as pathogenic or benign to our knowledge

Women's Health and Genetics/Laboratory Corporation of America, LabCorp
Classification: Uncertain significance. Last evaluated: 2022-02-16. Review status: criteria provided, single submitter. Criteria: LabCorp Variant Classification Summary - May 2015. Collection method: clinical testing. Allele origin: germline.
Comment: Variant summary: LRP5 c.1226C>T (p.Thr409Met) results in a non-conservative amino acid change in the encoded protein sequence. Three of five in-silico tools predict a damaging effect of the variant on protein function. The variant allele was found at a frequency of 0.00013 in 251178 control chromosomes (gnomAD). The observed variant frequency is approximately 2 fold of the estimated maximal expected allele frequency for a pathogenic variant in LRP5 causing Familial Exudative Vitreoretinopathy phenotype (6.3e-05), however the NGS technology used by gnomad cannot distinguish between the gene and other highly homologous regions of the genome, therefore this data should be taken with caution. To our knowledge, no occurrence of c.1226C>T in individuals affected with Familial Exudative Vitreoretinopathy and no experimental evidence demonstrating its impact on protein function have been reported. One clinical diagnostic laboratory has submitted clinical-significance assessments for this variant to ClinVar after 2014 and classified the variant as uncertain significance. Based on the evidence outlined above, the variant was classified as a VUS.

Literature cited by the submitters: PubMed 18602879 (cited by Labcorp Genetics (formerly Invitae), Labcorp).